The following is an entry in ClinVar:

NM_006031.6(PCNT):c.236C>T (p.Pro79Leu)

Gene: PCNT (pericentrin; plus strand). Cytogenetic location: 21q22.3.
Variant type: single nucleotide variant.
Coding change: c.236C>T on transcript NM_006031.6 (MANE Select); coding-DNA position 236, C replaced by T.
Protein change: p.Pro79Leu; replaces proline 79 with leucine.
Molecular consequence: missense variant. On other transcripts: 5 prime UTR variant (1).
Genome position (GRCh38, 1-based): chr21:46,326,558, C>T. VCF-style: chr21-46326558-C-T. GRCh37 (hg19) VCF-style: chr21-47746472-C-T.
Other names: c.-119C>T (NM_001315529.2); short protein forms P79L.
Identifiers: ClinVar variation 1337387 (VCV001337387.10), dbSNP rs745598788, ClinGen allele CA10078180.

ClinVar aggregate classification (germline): Conflicting classifications of pathogenicity. Review status: criteria provided, conflicting classifications (1 of 4 stars). 4 submissions from 4 submitters: Uncertain significance (2); Likely benign (1). 1 of the submissions does not count toward it. Last evaluated 2025-10-30.

Conditions:
PCNT-related disorder. Also called: PCNT-related condition.
Inborn genetic diseases. Identifiers: MedGen C0950123, MeSH D030342.

Allele frequency attached by ClinVar (database versions not stated): ExAC 0.00011; gnomAD 0.00002; gnomAD exomes 0.00004 and 0.00009.
gnomAD v4.1: 63 of 1,614,132 alleles (0.0039%); highest among the groups gnomAD compares: South Asian, 0.064%; 2 homozygotes.

Submissions (4):

Labcorp Genetics (formerly Invitae), Labcorp
Classification: Likely benign. Last evaluated: 2025-10-30. Review status: criteria provided, single submitter. Criteria: Invitae Variant Classification Sherloc (09022015). Collection method: clinical testing. Allele origin: germline.

Ambry Genetics
Classification: Uncertain significance for Inborn genetic diseases. Last evaluated: 2023-11-02. Review status: criteria provided, single submitter. Criteria: Ambry Variant Classification Scheme 2023. Collection method: clinical testing. Allele origin: germline.

Genetic Services Laboratory, University of Chicago
Classification: Uncertain significance. Last evaluated: 2019-10-30. Review status: criteria provided, single submitter. Criteria: ACMG Guidelines, 2015. Collection method: clinical testing. Allele origin: germline. Affected: no.

PreventionGenetics, part of Exact Sciences
Classification: Uncertain significance for PCNT-related condition. Last evaluated: 2024-08-14. Review status: no assertion criteria provided. Collection method: clinical testing. Allele origin: germline. Not counted in ClinVar's aggregate classification.
Comment: The PCNT c.236C>T variant is predicted to result in the amino acid substitution p.Pro79Leu. To our knowledge, this variant has not been reported in the literature. This variant is reported in 0.065% of alleles in individuals of South Asian descent in gnomAD. Although we suspect that this variant may be benign, at this time, the clinical significance of this variant is uncertain due to the absence of conclusive functional and genetic evidence.